The following is an entry in ClinVar:

ClinVar aggregate classification (germline): Uncertain significance (1 of 4 stars; one submission).

Conditions:
Early Myoclonic Encephalopathy. Identifiers: MedGen C0270855.

Allele frequency attached by ClinVar (database versions not stated): ExAC 0.00001; gnomAD below 0.00001 and 0.00001; gnomAD exomes 0.00001.
gnomAD v4.1: 22 of 1,614,050 alleles (0.0014%); highest among the groups gnomAD compares: South Asian, 0.015%; 1 homozygote.

Submission:

Labcorp Genetics (formerly Invitae), Labcorp
Classification: Uncertain significance for Early Myoclonic Encephalopathy. Last evaluated: 2025-03-03. Review status: criteria provided, single submitter. Criteria: Invitae Variant Classification Sherloc (09022015). Collection method: clinical testing. Allele origin: germline.
Comment: This sequence change replaces asparagine, which is neutral and polar, with histidine, which is basic and polar, at codon 312 of the JMJD1C protein (p.Asn312His). This variant is present in population databases (rs753536688, gnomAD 0.006%). This variant has not been reported in the literature in individuals affected with JMJD1C-related conditions. ClinVar contains an entry for this variant (Variation ID: 658633). An algorithm developed to predict the effect of missense changes on protein structure and function outputs the following: PolyPhen-2: "Benign". The histidine amino acid residue is found in multiple mammalian species, which suggests that this missense change does not adversely affect protein function. In summary, the available evidence is currently insufficient to determine the role of this variant in disease. Therefore, it has been classified as a Variant of Uncertain Significance.

NM_032776.3(JMJD1C):c.934A>C (p.Asn312His)

Gene: JMJD1C (jumonji domain containing 1C; minus strand). Cytogenetic location: 10q21.3.
Variant type: single nucleotide variant.
Coding change: c.934A>C on transcript NM_032776.3 (MANE Select); coding-DNA position 934, A replaced by C.
Protein change: p.Asn312His; replaces asparagine 312 with histidine.
Molecular consequence: missense variant. On other transcripts: non-coding transcript variant (1).
Genome position (GRCh38, 1-based): chr10:63,215,344, T>G on the plus strand (A>C on the coding strand, the complement: JMJD1C is on the minus strand). VCF-style: chr10-63215344-T-G. GRCh37 (hg19) VCF-style: chr10-64975104-T-G.
Other names: c.388A>C, p.Asn130His (NM_001282948.2, NM_001318154.2); c.70A>C, p.Asn24His (NM_001318153.2); c.820A>C, p.Asn274His (NM_001322252.2); c.277A>C, p.Asn93His (NM_001322254.2, NM_001322258.2); short protein forms N24H, N130H, N312H, N274H, N93H.
Identifiers: ClinVar variation 658633 (VCV000658633.8), dbSNP rs753536688, ClinGen allele CA5518911.